The following is an entry in ClinVar:

ClinVar aggregate classification (germline): Uncertain significance (1 of 4 stars; one submission).

Allele frequency attached by ClinVar (database versions not stated): gnomAD 0.00001; TOPMed 0.00001; ExAC 0.00002; gnomAD exomes 0.00002; ESP Exome Variant Server 0.00008; 1000 Genomes Project 30x 0.00031.
gnomAD v4.1: 37 of 1,613,158 alleles (0.0023%); highest among the groups gnomAD compares: South Asian, 0.011%; no homozygotes.

Submission:

CeGaT Center for Human Genetics Tuebingen
Classification: Uncertain significance. Last evaluated: 2022-09-01. Review status: criteria provided, single submitter. Criteria: CeGaT Center For Human Genetics Tuebingen Variant Classification Criteria Version 2. Collection method: clinical testing. Allele origin: germline. Affected: yes. Observed: 1 variant allele.
Comment: HS6ST1: PM2, PP3

NM_004807.3(HS6ST1):c.920C>T (p.Thr307Met)

Gene: HS6ST1 (heparan sulfate 6-O-sulfotransferase 1; minus strand). Cytogenetic location: 2q14.3.
Variant type: single nucleotide variant.
Coding change: c.920C>T on transcript NM_004807.3 (MANE Select); coding-DNA position 920, C replaced by T.
Protein change: p.Thr307Met; replaces threonine 307 with methionine.
Molecular consequence: missense variant.
Genome position (GRCh38, 1-based): chr2:128,268,478, G>A on the plus strand (C>T on the coding strand, the complement: HS6ST1 is on the minus strand). VCF-style: chr2-128268478-G-A. GRCh37 (hg19) VCF-style: chr2-129026052-G-A.
Other names: short protein forms T307M.
Identifiers: ClinVar variation 2651347 (VCV002651347.24), dbSNP rs372108639, ClinGen allele CA1867522.